The following is an entry in ClinVar:

ClinVar aggregate classification (germline): Uncertain significance (1 of 4 stars; one submission).

Conditions:
Autosomal recessive axonal neuropathy with neuromyotonia (NMAN). Also called: Gamstorp-Wohlfart syndrome; MYOKYMIA, MYOTONIA, AND MUSCLE WASTING; Neuromyotonia and axonal neuropathy, autosomal recessive. Identifiers: Orphanet 324442, MedGen C5700127, MONDO:0007646, OMIM 137200.

Allele frequency attached by ClinVar (database versions not stated): TOPMed below 0.00001; gnomAD exomes 0.00001.

Submission:

Labcorp Genetics (formerly Invitae), Labcorp
Classification: Uncertain significance for Autosomal recessive axonal neuropathy with neuromyotonia. Last evaluated: 2019-01-14. Review status: criteria provided, single submitter. Criteria: Invitae Variant Classification Sherloc (09022015). Collection method: clinical testing. Allele origin: germline.
Comment: This variant is not present in population databases (ExAC no frequency). This sequence change replaces valine with methionine at codon 98 of the HINT1 protein (p.Val98Met). The valine residue is moderately conserved and there is a small physicochemical difference between valine and methionine. This variant has not been reported in the literature in individuals with HINT1-related conditions. In summary, the available evidence is currently insufficient to determine the role of this variant in disease. Therefore, it has been classified as a Variant of Uncertain Significance. Algorithms developed to predict the effect of missense changes on protein structure and function are either unavailable or do not agree on the potential impact of this missense change (SIFT: "Tolerated"; PolyPhen-2: "Possibly Damaging"; Align-GVGD: "Class C0").

NM_005340.7(HINT1):c.292G>A (p.Val98Met)

Gene: HINT1 (histidine triad nucleotide binding protein 1; minus strand). Cytogenetic location: 5q23.3.
Variant type: single nucleotide variant.
Coding change: c.292G>A on transcript NM_005340.7 (MANE Select); coding-DNA position 292, G replaced by A.
Protein change: p.Val98Met; replaces valine 98 with methionine.
Molecular consequence: missense variant. On other transcripts: non-coding transcript variant (5).
Genome position (GRCh38, 1-based): chr5:131,159,536, C>T on the plus strand (G>A on the coding strand, the complement: HINT1 is on the minus strand). VCF-style: chr5-131159536-C-T. GRCh37 (hg19) VCF-style: chr5-130495229-C-T.
Other names: short protein forms V98M.
Identifiers: ClinVar variation 861638 (VCV000861638.10), dbSNP rs1755196174, ClinGen allele CA360838201.
Genomic context (GRCh38, chr5:131,159,536, plus strand): 5'-CTCCAAGAACATGGAGATGAACGTGATAGACAGACTGTCCACCATCTGAACCTTCATTCA[C>T]CACCATTCGATAACCCTTATTCAGGCCCAGATCAGCAGCACATTTCTTGCCAACAATCAT-3'
Protein context (NP_005331.1, residues 88-108): LGLNKGYRMV[Val98Met]NEGSDGGQSV